The following is an entry in ClinVar:

ClinVar aggregate classification (germline): Likely benign (0 of 4 stars; one submission).

Conditions:
PKD1-related disorder. Also called: PKD1-related condition.

Allele frequency attached by ClinVar (database versions not stated): gnomAD 0.00001; gnomAD exomes 0.00002; TOPMed 0.00004; ExAC 0.00072.
gnomAD v4.1: 22 of 1,395,950 alleles (0.0016%); highest among the groups gnomAD compares: Admixed American, 0.049%; no homozygotes.

Submission:

PreventionGenetics, part of Exact Sciences
Classification: Likely benign for PKD1-related condition. Last evaluated: 2019-05-23. Review status: no assertion criteria provided. Collection method: clinical testing. Allele origin: germline.
Comment: This variant is classified as likely benign based on ACMG/AMP sequence variant interpretation guidelines (Richards et al. 2015 PMID: 25741868, with internal and published modifications).

NM_001009944.3(PKD1):c.11713-12C>T

Gene: PKD1 (polycystin 1, transient receptor potential channel interacting; minus strand). Cytogenetic location: 16p13.3.
Variant type: single nucleotide variant.
Coding change: c.11713-12C>T on transcript NM_001009944.3 (MANE Select); 12 bases into the intron before coding-DNA position 11713, C replaced by T.
Molecular consequence: intron variant.
Genome position (GRCh38, 1-based): chr16:2,091,186, G>A on the plus strand (C>T on the coding strand, the complement: PKD1 is on the minus strand). VCF-style: chr16-2091186-G-A. GRCh37 (hg19) VCF-style: chr16-2141187-G-A.
Other names: c.11710-12C>T (NM_000296.4).
Identifiers: ClinVar variation 3042028 (VCV003042028.2), dbSNP rs745528408, ClinGen allele CA7828996.